The following is an entry in ClinVar:

NM_000155.4(GALT):c.424A>G (p.Met142Val)

Gene: GALT (galactose-1-phosphate uridylyltransferase; plus strand). Cytogenetic location: 9p13.3.
Variant type: single nucleotide variant.
Coding change: c.424A>G on transcript NM_000155.4 (MANE Select); coding-DNA position 424, A replaced by G.
Protein change: p.Met142Val; replaces methionine 142 with valine.
Molecular consequence: missense variant.
Genome position (GRCh38, 1-based): chr9:34,647,878, A>G. VCF-style: chr9-34647878-A-G. GRCh37 (hg19) VCF-style: chr9-34647875-A-G.
Other names: c.424A>G (NM_000155.3); c.97A>G, p.Met33Val (NM_001258332.2); short protein forms M33V.
Identifiers: ClinVar variation 2573375 (VCV002573375.5), dbSNP rs111033692, ClinGen allele CA259389.
Genomic context (GRCh38, chr9:34,647,878, plus strand): 5'-CCGTCACCACCCAGTAAGGTCATGTGCTTCCACCCCTGGTCGGATGTAACGCTGCCACTC[A>G]TGTCGGTCCCTGAGATCCGGGCTGTTGTTGATGCATGGGCCTCAGTCACAGAGGAGCTGG-3'
Protein context (NP_000146.2, residues 132-152): HPWSDVTLPL[Met142Val]SVPEIRAVVD

ClinVar aggregate classification (germline): Pathogenic/Likely pathogenic. Review status: criteria provided, multiple submitters, no conflicts (2 of 4 stars). 3 submissions from 3 submitters: Pathogenic (1); Likely pathogenic (2). Last evaluated 2024-10-01.

Conditions:
Galactosemia. Also called: Galactose intolerance. Identifiers: Orphanet 352, MedGen C0016952, MONDO:0018116, HP:0004919. Disease mechanism: loss of function.
Deficiency of UDPglucose-hexose-1-phosphate uridylyltransferase. Also called: GALACTOSE-1-PHOSPHATE URIDYLYLTRANSFERASE DEFICIENCY; Transferase Deficiency Galactosemia; GALACTOSEMIA I; GALT deficiency; Galactosemia, classic. Identifiers: Orphanet 352, Orphanet 79239, MedGen C0268151, MONDO:0009258, OMIM 230400.

Submissions (3):

Natera, Inc.
Classification: Likely pathogenic for Galactosemia. Last evaluated: 2024-10-01. Review status: criteria provided, single submitter. Criteria: Natera Variant Classification Schema (03/2026). Collection method: clinical testing. Allele origin: germline.
Comment: The c.424A>G variant in GALT is a missense variant predicted to cause substitution of methionine to valine at amino acid 142. This variant is rare in the general population with a frequency below the threshold expected for the associated phenotype(s). This variant has been observed in one or more individuals affected with the associated recessive disease, as either homozygous or compound heterozygous with a second variant (PMID: 10573007). Functional studies show that this variant may disrupt protein function (PMID: 10573007). A different variant at the same position has been determined to be Pathogenic or Likely Pathogenic. Computational prediction algorithms indicate this variant is likely to affect gene or protein function. Given the available evidence, this variant is classified as Likely Pathogenic.

Women's Health and Genetics/Laboratory Corporation of America, LabCorp
Classification: Likely pathogenic for Deficiency of UDPglucose-hexose-1-phosphate uridylyltransferase. Last evaluated: 2023-06-20. Review status: criteria provided, single submitter. Criteria: LabCorp Variant Classification Summary - May 2015. Collection method: clinical testing. Allele origin: germline.
Comment: Variant summary: GALT c.424A>G (p.Met142Val) results in a conservative amino acid change located in the N-terminal domain (IPR005849) of the encoded protein sequence. Three of five in-silico tools predict a damaging effect of the variant on protein function. The variant was absent in 251496 control chromosomes. c.424A>G has been reported in the literature in at least one compound heterozygous individual affected with Galactosemia (e.g., Hirokawa_1999). These data suggest the variant may be associated with disease. At least one publication reports experimental evidence evaluating an impact on protein function. The most pronounced variant effect results in 11% of normal activity in a COS cell expression system (Hirokawa_1999). The following publication was ascertained in the context of this evaluation (PMID: 10573007). No submitters have reported clinical-significance assessments for this variant to ClinVar after 2014. Additionally, other missense variants affecting the same codon, namely c.425T>A (p.Met142Val) and c.425T>C (p.Met142Thr), have been classified as pathogenic by our lab or reported in ClinVar as pathogenic. Both of these additional missense variants have been reported in the literature in patients affected with galactosemia (PMIDs: 15775761, 25592817, 2011574, 10384398) and studies have found these variants result in <5% GALT activity either experimentally or in erythrocytes from patients harboring these variants (PMIDs: 25592817, 2011574), suggesting this residue is clinically significant. Based on the evidence outlined above, the variant was classified as likely pathogenic.

Labcorp Genetics (formerly Invitae), Labcorp
Classification: Pathogenic for Deficiency of UDPglucose-hexose-1-phosphate uridylyltransferase. Last evaluated: 2022-10-23. Review status: criteria provided, single submitter. Criteria: Invitae Variant Classification Sherloc (09022015). Collection method: clinical testing. Allele origin: germline.
Comment: For these reasons, this variant has been classified as Pathogenic. This variant disrupts the p.Met142 amino acid residue in GALT. Other variant(s) that disrupt this residue have been determined to be pathogenic (PMID: 2011574, 10384398, 10960497, 20213376). This suggests that this residue is clinically significant, and that variants that disrupt this residue are likely to be disease-causing. Experimental studies have shown that this missense change affects GALT function (galactosemia). Advanced modeling of protein sequence and biophysical properties (such as structural, functional, and spatial information, amino acid conservation, physicochemical variation, residue mobility, and thermodynamic stability) performed at Invitae indicates that this missense variant is expected to disrupt GALT protein function. This missense change has been observed in individual(s) with galactosemia (PMID: 10573007). This variant is not present in population databases (gnomAD no frequency). This sequence change replaces methionine, which is neutral and non-polar, with valine, which is neutral and non-polar, at codon 142 of the GALT protein (p.Met142Val).

Literature cited by the submitters: PubMed 10573007 (cited by 3 submitters); PubMed 2011574 (cited by Labcorp Genetics (formerly Invitae), Labcorp); PubMed 10384398 (cited by Labcorp Genetics (formerly Invitae), Labcorp); PubMed 10960497 (cited by Labcorp Genetics (formerly Invitae), Labcorp); PubMed 20213376 (cited by Labcorp Genetics (formerly Invitae), Labcorp).